The following is an entry in ClinVar:

NM_000465.4(BARD1):c.1561A>T (p.Asn521Tyr)

Gene: BARD1 (BRCA1 associated RING domain 1; minus strand). Cytogenetic location: 2q35.
Variant type: single nucleotide variant.
Coding change: c.1561A>T on transcript NM_000465.4 (MANE Select); coding-DNA position 1561, A replaced by T.
Protein change: p.Asn521Tyr; replaces asparagine 521 with tyrosine.
Molecular consequence: missense variant. On other transcripts: non-coding transcript variant (3), intron variant (3).
Genome position (GRCh38, 1-based): chr2:214,767,489, T>A on the plus strand (A>T on the coding strand, the complement: BARD1 is on the minus strand). VCF-style: chr2-214767489-T-A. GRCh37 (hg19) VCF-style: chr2-215632213-T-A.
Other names: c.1504A>T, p.Asn502Tyr (NM_001282543.2); c.159-14934A>T (NM_001282548.2); c.216-14934A>T (NM_001282545.2); c.364+24808A>T (NM_001282549.2); short protein forms N502Y, N521Y.
Identifiers: ClinVar variation 4824132 (VCV004824132.1).

ClinVar aggregate classification (germline): Uncertain significance (1 of 4 stars; one submission).

Conditions:
Hereditary cancer-predisposing syndrome. Also called: Neoplastic Syndromes, Hereditary; Hereditary neoplastic syndrome; Tumor predisposition; Hereditary Cancer Syndrome. Identifiers: Orphanet 140162, MedGen C0027672, MeSH D009386, MONDO:0015356.

Submission:

Ambry Genetics
Classification: Uncertain significance for Hereditary cancer-predisposing syndrome. Last evaluated: 2026-02-19. Review status: criteria provided, single submitter. Criteria: Ambry Variant Classification Scheme 2023. Collection method: clinical testing. Allele origin: germline.
Comment: The p.N521Y variant (also known as c.1561A>T), located in coding exon 6 of the BARD1 gene, results from an A to T substitution at nucleotide position 1561. The asparagine at codon 521 is replaced by tyrosine, an amino acid with dissimilar properties. This amino acid position is not well conserved in available vertebrate species. In addition, this alteration is predicted to be tolerated by in silico analysis. Based on the available evidence, the clinical significance of this variant remains unclear.